The following is an entry in ClinVar:

NM_001844.5(COL2A1):c.509del (p.Pro170fs)

Gene: COL2A1 (collagen type II alpha 1 chain; minus strand). Cytogenetic location: 12q13.11.
Variant type: Deletion.
Coding change: c.509del on transcript NM_001844.5 (MANE Select); coding-DNA position 509, one base deleted (C; older notation c.509delC).
Protein change: p.Pro170fs; shifts the reading frame from proline 170.
Molecular consequence: frameshift variant.
Genome position (GRCh38, 1-based): chr12:47,997,628, G deleted on the plus strand (C on the coding strand, the reverse complement: COL2A1 is on the minus strand); the first of 6 consecutive G bases (chr12:47,997,628-47,997,633); deleting any one gives the same sequence. VCF-style (leftmost placement, unchanged base first): chr12-47997627-AG-A. GRCh37 (hg19) VCF-style: chr12-48391410-AG-A.
Other names: c.302del, p.Pro101fs (NM_033150.3); short protein forms P101fs, P170fs.
Identifiers: ClinVar variation 1075846 (VCV001075846.8), dbSNP rs1940022093, ClinGen allele CA2499221686.

ClinVar aggregate classification (germline): Pathogenic. Review status: criteria provided, multiple submitters, no conflicts (2 of 4 stars). 2 submissions from 2 submitters: Pathogenic (2). Last evaluated 2025-03-20.

Conditions:
Stickler syndrome type 1 (STL1). Also called: STICKLER SYNDROME, MEMBRANOUS VITREOUS TYPE; STICKLER SYNDROME, VITREOUS TYPE 1; ARTHROOPHTHALMOPATHY, HEREDITARY PROGRESSIVE; COL2A1-Related Stickler Syndrome. Identifiers: Orphanet 828, Orphanet 90653, MedGen C2020284, MONDO:0007160, OMIM 108300.

Submissions (2):

MVZ Medizinische Genetik Mainz
Classification: Pathogenic for Stickler syndrome type 1. Last evaluated: 2025-03-20. Review status: criteria provided, single submitter. Criteria: UK Practice Guidelines For Variant Classification V4 01 2020. Collection method: clinical testing. Allele origin: germline. Inheritance: Autosomal dominant inheritance. Affected: yes. Observed: 1 variant allele.
Comment: ACMG Criteria: PVS1,PM2_SUP,PP4

Labcorp Genetics (formerly Invitae), Labcorp
Classification: Pathogenic. Last evaluated: 2022-05-08. Review status: criteria provided, single submitter. Criteria: Invitae Variant Classification Sherloc (09022015). Collection method: clinical testing. Allele origin: germline.
Comment: For these reasons, this variant has been classified as Pathogenic. ClinVar contains an entry for this variant (Variation ID: 1075846). This variant has not been reported in the literature in individuals affected with COL2A1-related conditions. This variant is not present in population databases (gnomAD no frequency). This sequence change creates a premature translational stop signal (p.Pro170Leufs*29) in the COL2A1 gene. It is expected to result in an absent or disrupted protein product. Loss-of-function variants in COL2A1 are known to be pathogenic (PMID: 20179744).

Literature cited by the submitters: PubMed 20179744 (cited by Labcorp Genetics (formerly Invitae), Labcorp).